The following is an entry in ClinVar:

ClinVar aggregate classification (germline): Uncertain significance (1 of 4 stars; one submission).

Submission:

Greenwood Genetic Center Diagnostic Laboratories, Greenwood Genetic Center
Classification: Uncertain significance. Last evaluated: 2023-06-07. Review status: criteria provided, single submitter. Criteria: ACMG Guidelines, 2015. Collection method: clinical testing. Allele origin: germline. Affected: yes.
Comment: PM2

NM_014491.4(FOXP2):c.1545+5G>A

Gene: FOXP2 (forkhead box P2; plus strand). Cytogenetic location: 7q31.1.
Variant type: single nucleotide variant.
Coding change: c.1545+5G>A on transcript NM_014491.4 (MANE Select); 5 bases into the intron after coding-DNA position 1545, G replaced by A.
Molecular consequence: intron variant.
Genome position (GRCh38, 1-based): chr7:114,659,437, G>A. VCF-style: chr7-114659437-G-A. GRCh37 (hg19) VCF-style: chr7-114299492-G-A.
Other names: c.1620+5G>A (NM_148898.4); c.1596+5G>A (NM_148900.4); c.1542+5G>A (NM_001172766.3).
Identifiers: ClinVar variation 2572262 (VCV002572262.1), dbSNP rs2485480908, ClinGen allele CA2580617082.